The following is an entry in ClinVar:

ClinVar aggregate classification (germline): Uncertain significance (1 of 4 stars; one submission).

Submission:

Ambry Genetics
Classification: Uncertain significance. Last evaluated: 2023-12-15. Review status: criteria provided, single submitter. Criteria: Ambry Variant Classification Scheme 2023. Collection method: clinical testing. Allele origin: germline.
Comment: The p.K1213E variant (also known as c.3637A>G), located in coding exon 31 of the PRKDC gene, results from an A to G substitution at nucleotide position 3637. The lysine at codon 1213 is replaced by glutamic acid, an amino acid with similar properties. This amino acid position is conserved. In addition, this alteration is predicted to be tolerated by in silico analysis. Since supporting evidence is limited at this time, the clinical significance of this alteration remains unclear.

NM_006904.7(PRKDC):c.3637A>G (p.Lys1213Glu)

Gene: PRKDC (protein kinase, DNA-activated, catalytic subunit; minus strand). Cytogenetic location: 8q11.21.
Variant type: single nucleotide variant.
Coding change: c.3637A>G on transcript NM_006904.7 (MANE Select); coding-DNA position 3637, A replaced by G.
Protein change: p.Lys1213Glu; replaces lysine 1213 with glutamic acid.
Molecular consequence: missense variant.
Genome position (GRCh38, 1-based): chr8:47,893,349, T>C on the plus strand (A>G on the coding strand, the complement: PRKDC is on the minus strand). VCF-style: chr8-47893349-T-C. GRCh37 (hg19) VCF-style: chr8-48805909-T-C.
Other names: c.3637A>G, p.Lys1213Glu (NM_001081640.2); short protein forms K1213E.
Identifiers: ClinVar variation 3225841 (VCV003225841.1), dbSNP rs2551874356, ClinGen allele CA371151097.